The following is an entry in ClinVar:

ClinVar aggregate classification (germline): Benign/Likely benign. Review status: criteria provided, multiple submitters, no conflicts (2 of 4 stars). 5 submissions from 5 submitters: Benign (4); Likely benign (1). Last evaluated 2026-02-04.

Conditions:
Periodontitis, aggressive. Identifiers: MedGen C0031106, MONDO:0980757.
Haim-Munk syndrome (HMS). Also called: KERATOSIS PALMOPLANTARIS WITH PERIODONTOPATHIA AND ONYCHOGRYPOSIS; COCHIN JEWISH DISORDER. Identifiers: Orphanet 2342, MedGen C1855627, MONDO:0009491, OMIM 245010.
Papillon-Lefèvre syndrome (PALS). Also called: KERATOSIS PALMOPLANTARIS WITH PERIODONTOPATHIA; Papillon-Lefevre Disease. Identifiers: Orphanet 678, MedGen C0030360, MONDO:0009490, OMIM 245000.

Submissions (5):

Labcorp Genetics (formerly Invitae), Labcorp
Classification: Benign for Haim-Munk syndrome; Periodontitis, aggressive; Papillon-Lefèvre syndrome. Last evaluated: 2026-02-04. Review status: criteria provided, single submitter. Criteria: Invitae Variant Classification Sherloc (09022015). Collection method: clinical testing. Allele origin: germline.

Blueprint Genetics
Classification: Likely benign. Last evaluated: 2024-11-27. Review status: criteria provided, single submitter. Criteria: ACMG Guidelines, 2015. Collection method: clinical testing. Allele origin: germline.

Mayo Clinic Laboratories, Mayo Clinic
Classification: Benign. Last evaluated: 2021-07-19. Review status: criteria provided, single submitter. Criteria: ACMG Guidelines, 2015. Collection method: clinical testing. Allele origin: germline. Observed: 5 variant alleles.

GeneDx
Classification: Benign. Last evaluated: 2021-05-04. Review status: criteria provided, single submitter. Criteria: GeneDx Variant Classification Process June 2021. Collection method: clinical testing. Allele origin: germline. Affected: yes.

Laboratory for Molecular Medicine, Mass General Brigham Personalized Medicine
Classification: Benign. Last evaluated: 2016-03-28. Review status: criteria provided, single submitter. Criteria: LMM Criteria. Collection method: clinical testing. Allele origin: germline.
Comment: Variant identified in a genome or exome case(s) and assessed due to predicted null impact of the variant or pathogenic assertions in the literature or databases. Disclaimer: This variant has not undergone full assessment. The following are preliminary notes: Frequency

NM_001814.6(CTSC):c.173-7del

Gene: CTSC (cathepsin C; minus strand). Cytogenetic location: 11q14.2.
Variant type: Deletion.
Coding change: c.173-7del on transcript NM_001814.6 (MANE Select); 7 bases into the intron before coding-DNA position 173, one base deleted (T; older notation c.173-7delT).
Molecular consequence: intron variant.
Genome position (GRCh38, 1-based): chr11:88,335,089, A deleted on the plus strand (T on the coding strand, the reverse complement: CTSC is on the minus strand); the first of 13 consecutive A bases (chr11:88,335,089-88,335,101); deleting any one gives the same sequence. VCF-style (leftmost placement, unchanged base first): chr11-88335088-GA-G. GRCh37 (hg19) VCF-style: chr11-88068256-GA-G.
Other names: p.?; c.173-7del (NM_001114173.3, NM_148170.5, LRG_50t1).
Identifiers: ClinVar variation 402573 (VCV000402573.19), dbSNP rs11326739, ClinGen allele CA6220116.